The following is an entry in ClinVar:

NM_024675.4(PALB2):c.2233A>G (p.Lys745Glu)

Gene: PALB2 (partner and localizer of BRCA2; minus strand). Cytogenetic location: 16p12.2.
Variant type: single nucleotide variant.
Coding change: c.2233A>G on transcript NM_024675.4 (MANE Select); coding-DNA position 2233, A replaced by G.
Protein change: p.Lys745Glu; replaces lysine 745 with glutamic acid.
Molecular consequence: missense variant.
Genome position (GRCh38, 1-based): chr16:23,629,921, T>C on the plus strand (A>G on the coding strand, the complement: PALB2 is on the minus strand). VCF-style: chr16-23629921-T-C. GRCh37 (hg19) VCF-style: chr16-23641242-T-C.
Other names: short protein forms K745E.
Identifiers: ClinVar variation 141860 (VCV000141860.17), dbSNP rs587782064, ClinGen allele CA166636.

ClinVar aggregate classification (germline): Conflicting classifications of pathogenicity. Review status: criteria provided, conflicting classifications (1 of 4 stars). 4 submissions from 4 submitters: Uncertain significance (3); Likely benign (1). Last evaluated 2026-08-28.

Conditions:
Hereditary cancer-predisposing syndrome. Also called: Neoplastic Syndromes, Hereditary; Hereditary Cancer Syndrome; Tumor predisposition; Hereditary neoplastic syndrome. Identifiers: Orphanet 140162, MedGen C0027672, MeSH D009386, MONDO:0015356.
Familial cancer of breast. Also called: Hereditary breast cancer; BREAST CANCER, FAMILIAL; hereditary breast carcinoma. Identifiers: Orphanet 227535, MedGen C0346153, MONDO:0016419, OMIM 114480. Disease mechanism: loss of function.

Allele frequency attached by ClinVar (database versions not stated): gnomAD exomes below 0.00001.
gnomAD v4.1: 3 of 1,614,200 alleles (0.00019%); highest among the groups gnomAD compares: Non-Finnish European, 0.00025%; no homozygotes.

Submissions (4):

Ambry Genetics
Classification: Likely benign for Hereditary cancer-predisposing syndrome. Last evaluated: 2026-08-28. Review status: criteria provided, single submitter. Criteria: Ambry Variant Classification Scheme 2023. Collection method: clinical testing. Allele origin: germline.

Labcorp Genetics (formerly Invitae), Labcorp
Classification: Uncertain significance for Familial cancer of breast. Last evaluated: 2026-01-19. Review status: criteria provided, single submitter. Criteria: Invitae Variant Classification Sherloc (09022015). Collection method: clinical testing. Allele origin: germline.
Comment: This sequence change replaces lysine, which is basic and polar, with glutamic acid, which is acidic and polar, at codon 745 of the PALB2 protein (p.Lys745Glu). This variant is not present in population databases (gnomAD no frequency). This variant has not been reported in the literature in individuals affected with PALB2-related conditions. ClinVar contains an entry for this variant (Variation ID: 141860). Invitae Evidence Modeling of protein sequence and biophysical properties (such as structural, functional, and spatial information, amino acid conservation, physicochemical variation, residue mobility, and thermodynamic stability) indicates that this missense variant is not expected to disrupt PALB2 protein function with a negative predictive value of 80%. Experimental studies have shown that this missense change does not substantially affect PALB2 function (PMID: 31636395). In summary, the available evidence is currently insufficient to determine the role of this variant in disease. Therefore, it has been classified as a Variant of Uncertain Significance.

GeneDx
Classification: Uncertain significance. Last evaluated: 2022-05-05. Review status: criteria provided, single submitter. Criteria: GeneDx Variant Classification Process June 2021. Collection method: clinical testing. Allele origin: germline. Affected: yes.
Comment: Not observed at significant frequency in large population cohorts (gnomAD); In silico analysis supports that this missense variant does not alter protein structure/function; Has not been previously published as pathogenic or benign to our knowledge; This variant is associated with the following publications: (PMID: 22941656)

Color Diagnostics, LLC DBA Color Health
Classification: Uncertain significance for Hereditary cancer-predisposing syndrome. Last evaluated: 2021-04-06. Review status: criteria provided, single submitter. Criteria: ACMG Guidelines, 2015. Collection method: clinical testing. Allele origin: germline.
Comment: This missense variant replaces lysine with glutamic acid at codon 745 of the PALB2 protein. Computational prediction suggests that this variant may not impact protein structure and function (internally defined REVEL score threshold <= 0.5, PMID: 27666373). This variant demonstrated normal activity in a homology directed repair assay (PMID: 31636395). This variant has not been reported in individuals affected with hereditary cancer in the literature. This variant has not been identified in the general population by the Genome Aggregation Database (gnomAD). The available evidence is insufficient to determine the role of this variant in disease conclusively. Therefore, this variant is classified as a Variant of Uncertain Significance.

Literature cited by the submitters: PubMed 31636395 (cited by Labcorp Genetics (formerly Invitae), Labcorp).